The following is an entry in ClinVar:

ClinVar aggregate classification (germline): Likely benign (1 of 4 stars; one submission).

gnomAD v4.1: 10,221 of 1,613,948 alleles (0.63%); highest among the groups gnomAD compares: Non-Finnish European, 0.78%; 39 homozygotes.

Submission:

CeGaT Center for Human Genetics Tuebingen
Classification: Likely benign. Last evaluated: 2025-03-01. Review status: criteria provided, single submitter. Criteria: CeGaT Center For Human Genetics Tuebingen Variant Classification Criteria Version 2. Collection method: clinical testing. Allele origin: germline. Affected: yes. Observed: 1 variant allele.
Comment: HEG1: BP4, BP7, BS2

NM_020733.2(HEG1):c.1101G>A (p.Thr367=)

Gene: HEG1 (heart development protein with EGF like domains 1; minus strand). Cytogenetic location: 3q21.2.
Variant type: single nucleotide variant.
Coding change: c.1101G>A on transcript NM_020733.2 (MANE Select); coding-DNA position 1101, G replaced by A.
Protein change: p.Thr367=; no amino-acid change (threonine 367 retained).
Molecular consequence: synonymous variant.
Genome position (GRCh38, 1-based): chr3:125,020,943, C>T on the plus strand (G>A on the coding strand, the complement: HEG1 is on the minus strand). VCF-style: chr3-125020943-C-T. GRCh37 (hg19) VCF-style: chr3-124739787-C-T.
Identifiers: ClinVar variation 3777793 (VCV003777793.7).